The following is an entry in ClinVar:

ClinVar aggregate classification (germline): Pathogenic (1 of 4 stars; one submission).

Conditions:
Focal dermal hypoplasia (FDH). Also called: Goltz syndrome. Identifiers: Orphanet 2092, MedGen C0016395, MONDO:0010592, OMIM 305600.

Submissions (2):

Variantyx, Inc.
Classification: Pathogenic for Focal dermal hypoplasia. Last evaluated: 2025-12-20. Review status: criteria provided, single submitter. Criteria: Variantyx Assertion Criteria 2022. Collection method: clinical testing. Allele origin: maternal. Inheritance: X-linked dominant inheritance. Affected: yes.
Comment: This is a canonical splicing variant in the PORCN gene (OMIM: 300651). Pathogenic variants in this gene have been associated with X-linked focal dermal hypoplasia. This splicing variant is expected to result in loss of function, which is a known disease mechanism for PORCN in this disorder (PMID: 17546030, 19309688) (PVS1). This variant has been reported in at least one affected individual (PMID: 18325042) (PS4) and is absent from control populations (PM2). Based on the current evidence, this variant is classified as pathogenic for X-linked focal dermal hypoplasia.

Dr. Peter K. Rogan Lab, Western University
No classification provided (evidence only). Condition: Thyroid cancer, nonmedullary, 1. Review status: no classification provided. Collection method: in vitro. Allele origin: not applicable. Functional consequence: retained intron. Not counted in ClinVar's aggregate classification.

Literature cited by the submitters: PubMed 17546030 (cited by Variantyx, Inc.); PubMed 19309688 (cited by Variantyx, Inc.); PubMed 18325042 (cited by Variantyx, Inc.).

NM_203475.3(PORCN):c.373+1G>A

Gene: PORCN (porcupine O-acyltransferase; plus strand). Cytogenetic location: Xp11.23.
Variant type: single nucleotide variant.
Coding change: c.373+1G>A on transcript NM_203475.3 (MANE Select); the canonical splice donor site of the intron after coding-DNA position 373, G replaced by A.
Molecular consequence: splice donor variant.
Genome position (GRCh38, 1-based): chrX:48,511,936, G>A. VCF-style: chrX-48511936-G-A. GRCh37 (hg19) VCF-style: chrX-48370324-G-A.
Other names: NC_000023.10:g.48370324G>A; c.712+1G>A (NM_001441333.1, NM_001441334.1); c.565+1G>A (NM_001441336.1); c.478+1G>A (NM_001441335.1); c.160+1G>A (NM_001282167.2); c.373+1G>A (NM_203473.3, NM_022825.4, NM_203474.1).
Identifiers: ClinVar variation 4491014 (VCV004491014.2).
Genomic context (GRCh38, chrX:48,511,936, plus strand): 5'-GCACCTTTTTCCTCAGTGAGATGCACATGGTAGACACCGTGACATGGCACAAGATGCGAG[G>A]TAGGTAGCCCTGCCCCTCTCACCTGCCCAACCCCCCTGCCCCACTCCTCGTCTCCTAACT-3'